The following is an entry in ClinVar:

NM_004168.4(SDHA):c.558_567del (p.His187fs)

Gene: SDHA (succinate dehydrogenase complex flavoprotein subunit A; plus strand). Cytogenetic location: 5p15.33.
Variant type: Deletion.
Coding change: c.558_567del on transcript NM_004168.4 (MANE Select); coding-DNA positions 558 to 567, 10 bases deleted (CCATCGGTGC; older notation c.558_567delCCATCGGTGC).
Protein change: p.His187fs; shifts the reading frame from histidine 187.
Molecular consequence: frameshift variant.
Genome position (GRCh38, 1-based): chr5:225,984-225,993, CCATCGGTGC deleted; deleting any 10 consecutive bases within chr5:225,982-225,993 gives the same sequence; the c. name uses the placement nearest the transcript's 3' end. VCF-style (leftmost placement, unchanged base first): chr5-225981-GGCCCATCGGT-G. GRCh37 (hg19) VCF-style: chr5-226096-GGCCCATCGGT-G.
Other names: c.414_423del, p.His139fs (NM_001294332.2); c.558_567del, p.His187fs (NM_001330758.2); short protein forms H139fs, H187fs.
Identifiers: ClinVar variation 486394 (VCV000486394.5), dbSNP rs1553997826, ClinGen allele CA658657420.

ClinVar aggregate classification (germline): Pathogenic (1 of 4 stars; one submission).

Conditions:
Hereditary cancer-predisposing syndrome. Also called: Tumor predisposition; Hereditary Cancer Syndrome; Hereditary neoplastic syndrome; Neoplastic Syndromes, Hereditary. Identifiers: Orphanet 140162, MedGen C0027672, MeSH D009386, MONDO:0015356.

Submission:

Ambry Genetics
Classification: Pathogenic for Hereditary cancer-predisposing syndrome. Last evaluated: 2019-01-18. Review status: criteria provided, single submitter. Criteria: Ambry Variant Classification Scheme 2023. Collection method: clinical testing. Allele origin: germline.
Comment: The c.558_567del10 pathogenic mutation, located in coding exon 5 of the SDHA gene, results from a deletion of 10 nucleotides at nucleotide positions 558 to 567, causing a translational frameshift with a predicted alternate stop codon. This alteration is expected to result in loss of function by premature protein truncation or nonsense-mediated mRNA decay. As such, this alteration is interpreted as a disease-causing mutation.